The following is an entry in ClinVar:

ClinVar aggregate classification (germline): Uncertain significance (1 of 4 stars; one submission).

Conditions:
Infantile-onset X-linked spinal muscular atrophy. Also called: SPINAL MUSCULAR ATROPHY, X-LINKED LETHAL INFANTILE; AMC, DISTAL, X-LINKED; ARTHROGRYPOSIS, X-LINKED, TYPE I; Spinal Muscular Atrophy, X-Linked Infantile; Spinal muscular atrophy, X-linked 2. Identifiers: Orphanet 1145, MedGen C1844934, MONDO:0010532, OMIM 301830.

Allele frequency attached by ClinVar (database versions not stated): gnomAD exomes below 0.00001.
gnomAD v4.1: 1 of 1,203,671 alleles (0.000083%); highest among the groups gnomAD compares: Non-Finnish European, 0.00011%; no homozygotes.

Submission:

Centre for Mendelian Genomics, University Medical Centre Ljubljana
Classification: Uncertain significance for Infantile-onset X-linked spinal muscular atrophy. Last evaluated: 2019-05-07. Review status: criteria provided, single submitter. Criteria: ACMG Guidelines, 2015. Collection method: clinical testing. Allele origin: unknown. Affected: yes.
Comment: This variant was classified as: Uncertain significance. The available evidence on this variant's pathogenicity is insufficient or conflicting. The following ACMG criteria were applied in classifying this variant: PM2.

NM_003334.4(UBA1):c.1027C>T (p.His343Tyr)

Gene: UBA1 (ubiquitin like modifier activating enzyme 1; plus strand). Cytogenetic location: Xp11.3.
Variant type: single nucleotide variant.
Coding change: c.1027C>T on transcript NM_003334.4 (MANE Select); coding-DNA position 1027, C replaced by T.
Protein change: p.His343Tyr; replaces histidine 343 with tyrosine.
Molecular consequence: missense variant.
Genome position (GRCh38, 1-based): chrX:47,202,475, C>T. VCF-style: chrX-47202475-C-T. GRCh37 (hg19) VCF-style: chrX-47061874-C-T.
Other names: c.1027C>T, p.His343Tyr (NM_153280.3); short protein forms H343Y.
Identifiers: ClinVar variation 931072 (VCV000931072.3), dbSNP rs1936453274, ClinGen allele CA412795522.